The following is an entry in ClinVar:

NM_000130.5(F5):c.3361G>C (p.Val1121Leu)

Gene: F5 (coagulation factor V; minus strand). Cytogenetic location: 1q24.2.
Variant type: single nucleotide variant.
Coding change: c.3361G>C on transcript NM_000130.5 (MANE Select); coding-DNA position 3361, G replaced by C.
Protein change: p.Val1121Leu; replaces valine 1121 with leucine.
Molecular consequence: missense variant.
Genome position (GRCh38, 1-based): chr1:169,541,729, C>G on the plus strand (G>C on the coding strand, the complement: F5 is on the minus strand). VCF-style: chr1-169541729-C-G. GRCh37 (hg19) VCF-style: chr1-169510967-C-G.
Other names: short protein forms V1121L.
Identifiers: ClinVar variation 1710612 (VCV001710612.2), dbSNP rs1458528481, ClinGen allele CA343118331.
Genomic context (GRCh38, chr1:169,541,729, plus strand): 5'-TAGAGTGCATTTGATCAGGGTCTTGAATGGGGAATGTTTGATAGTGTTCCTCTGGGGGCA[C>G]TGTCTGATAAAGACCTGGAGGACAGCTTGCCTGACCAGTGTCATTTGAGGAATTCTGATT-3'
Protein context (NP_000121.2, residues 1111-1131): ASCPPGLYQT[Val1121Leu]PPEEHYQTFP

ClinVar aggregate classification (germline): Uncertain significance (1 of 4 stars; one submission).

gnomAD v4.1: 4 of 1,614,004 alleles (0.00025%); highest among the groups gnomAD compares: Non-Finnish European, 0.00025%; no homozygotes.

Submission:

GeneDx
Classification: Uncertain significance. Last evaluated: 2022-04-17. Review status: criteria provided, single submitter. Criteria: GeneDx Variant Classification Process June 2021. Collection method: clinical testing. Allele origin: germline. Affected: yes.
Comment: Not observed at significant frequency in large population cohorts (gnomAD); In silico analysis supports that this missense variant does not alter protein structure/function; Has not been previously published as pathogenic or benign to our knowledge